The following is an entry in ClinVar:

NM_005654.6(NR2F1):c.1013C>T (p.Ala338Val)

Gene: NR2F1 (nuclear receptor subfamily 2 group F member 1; plus strand). Cytogenetic location: 5q15.
Variant type: single nucleotide variant.
Coding change: c.1013C>T on transcript NM_005654.6 (MANE Select); coding-DNA position 1013, C replaced by T.
Protein change: p.Ala338Val; replaces alanine 338 with valine.
Molecular consequence: missense variant.
Genome position (GRCh38, 1-based): chr5:93,593,583, C>T. VCF-style: chr5-93593583-C-T. GRCh37 (hg19) VCF-style: chr5-92929289-C-T.
Other names: short protein forms A338V.
Identifiers: ClinVar variation 1491941 (VCV001491941.6), dbSNP rs1192010938, ClinGen allele CA360527601.
Genomic context (GRCh38, chr5:93,593,583, plus strand): 5'-CCCTTTCCCTGTCTCTCCCTCCTGTGGCTGCTTGGGCAGACGCCTGTGGCCTGTCGGATG[C>T]GGCCCACATCGAGAGCCTGCAGGAGAAGTCGCAGTGCGCACTGGAGGAGTACGTGAGGAG-3'
Protein context (NP_005645.1, residues 328-348): FTSDACGLSD[Ala338Val]AHIESLQEKS

ClinVar aggregate classification (germline): Uncertain significance. Review status: criteria provided, single submitter (1 of 4 stars). 2 submissions from 2 submitters: Uncertain significance (1). 1 of the submissions does not count toward it. Last evaluated 2022-02-09.

Conditions:
Retinal dystrophy. Also called: Inherited retinal dystrophy. Identifiers: Orphanet 71862, MedGen C0854723, MeSH D058499, MONDO:0019118, HP:0000556.

Allele frequency attached by ClinVar (database versions not stated): TOPMed below 0.00001; gnomAD exomes 0.00001.

Submissions (2):

Labcorp Genetics (formerly Invitae), Labcorp
Classification: Uncertain significance. Last evaluated: 2022-02-09. Review status: criteria provided, single submitter. Criteria: Invitae Variant Classification Sherloc (09022015). Collection method: clinical testing. Allele origin: germline.
Comment: This sequence change replaces alanine, which is neutral and non-polar, with valine, which is neutral and non-polar, at codon 338 of the NR2F1 protein (p.Ala338Val). This variant is present in population databases (no rsID available, gnomAD 0.01%). This variant has not been reported in the literature in individuals affected with NR2F1-related conditions. Algorithms developed to predict the effect of missense changes on protein structure and function (SIFT, PolyPhen-2, Align-GVGD) all suggest that this variant is likely to be tolerated. In summary, the available evidence is currently insufficient to determine the role of this variant in disease. Therefore, it has been classified as a Variant of Uncertain Significance.

Institute of Human Genetics, Univ. Regensburg, Univ. Regensburg
Classification: Uncertain significance for Retinal dystrophy. Last evaluated: 2022-01-01. Review status: no assertion criteria provided. Criteria: ACMG Guidelines, 2015. Collection method: clinical testing. Allele origin: germline. Affected: yes. Not counted in ClinVar's aggregate classification.